The following is an entry in ClinVar:

NM_000179.3(MSH6):c.764A>G (p.Glu255Gly)

Gene: MSH6 (mutS homolog 6; plus strand). Cytogenetic location: 2p16.3.
Variant type: single nucleotide variant.
Coding change: c.764A>G on transcript NM_000179.3 (MANE Select); coding-DNA position 764, A replaced by G.
Protein change: p.Glu255Gly; replaces glutamic acid 255 with glycine.
Molecular consequence: missense variant. On other transcripts: 5 prime UTR variant (2).
Genome position (GRCh38, 1-based): chr2:47,798,747, A>G. VCF-style: chr2-47798747-A-G. GRCh37 (hg19) VCF-style: chr2-48025886-A-G.
Other names: c.764A>G (NM_000179.2); c.374A>G, p.Glu125Gly (NM_001281492.2); c.-143A>G (NM_001281493.2, NM_001281494.2); short protein forms E255G, E125G.
Identifiers: ClinVar variation 1043271 (VCV001043271.11), dbSNP rs1669253855, ClinGen allele CA346740177.

ClinVar aggregate classification (germline): Uncertain significance. Review status: criteria provided, multiple submitters, no conflicts (2 of 4 stars). 3 submissions from 3 submitters: Uncertain significance (3). Last evaluated 2025-01-16.

Conditions:
Hereditary nonpolyposis colorectal neoplasms. Identifiers: MedGen C0009405, MeSH D003123.
Hereditary cancer-predisposing syndrome. Also called: Hereditary Cancer Syndrome; Tumor predisposition; Hereditary neoplastic syndrome; Neoplastic Syndromes, Hereditary. Identifiers: Orphanet 140162, MedGen C0027672, MeSH D009386, MONDO:0015356.

Submissions (3):

Ambry Genetics
Classification: Uncertain significance for Hereditary cancer-predisposing syndrome. Last evaluated: 2025-01-16. Review status: criteria provided, single submitter. Criteria: Ambry Variant Classification Scheme 2023. Collection method: clinical testing. Allele origin: germline.
Comment: The p.E255G variant (also known as c.764A>G), located in coding exon 4 of the MSH6 gene, results from an A to G substitution at nucleotide position 764. The glutamic acid at codon 255 is replaced by glycine, an amino acid with similar properties. This amino acid position is not well conserved in available vertebrate species. In addition, the in silico prediction for this alteration is inconclusive. Based on the available evidence, the clinical significance of this variant remains unclear.

Color Diagnostics, LLC DBA Color Health
Classification: Uncertain significance for Hereditary cancer-predisposing syndrome. Last evaluated: 2024-04-30. Review status: criteria provided, single submitter. Criteria: ACMG Guidelines, 2015. Collection method: clinical testing. Allele origin: germline.
Comment: This missense variant replaces glutamic acid with glycine at codon 255 of the MSH6 protein. Computational prediction suggests that this variant may not impact protein structure and function (internally defined REVEL score threshold <= 0.5, PMID: 27666373). To our knowledge, functional studies have not been reported for this variant. This variant has not been reported in individuals affected with MSH6-related disorders in the literature. This variant has not been identified in the general population by the Genome Aggregation Database (gnomAD). The available evidence is insufficient to determine the role of this variant in disease conclusively. Therefore, this variant is classified as a Variant of Uncertain Significance.

Labcorp Genetics (formerly Invitae), Labcorp
Classification: Uncertain significance for Hereditary nonpolyposis colorectal neoplasms. Last evaluated: 2020-07-13. Review status: criteria provided, single submitter. Criteria: Invitae Variant Classification Sherloc (09022015). Collection method: clinical testing. Allele origin: germline.
Comment: In summary, the available evidence is currently insufficient to determine the role of this variant in disease. Therefore, it has been classified as a Variant of Uncertain Significance. Algorithms developed to predict the effect of missense changes on protein structure and function are either unavailable or do not agree on the potential impact of this missense change (SIFT: "Deleterious"; PolyPhen-2: "Probably Damaging"; Align-GVGD: "Class C15"). This variant has not been reported in the literature in individuals with MSH6-related conditions. This variant is not present in population databases (ExAC no frequency). This sequence change replaces glutamic acid with glycine at codon 255 of the MSH6 protein (p.Glu255Gly). The glutamic acid residue is weakly conserved and there is a moderate physicochemical difference between glutamic acid and glycine.